The following is an entry in ClinVar:

ClinVar aggregate classification (germline): Likely benign (1 of 4 stars; one submission).

gnomAD v4.1: 367 of 1,613,888 alleles (0.023%); highest among the groups gnomAD compares: Admixed American, 0.012%; 1 homozygote.

Submission:

CeGaT Center for Human Genetics Tuebingen
Classification: Likely benign. Last evaluated: 2025-08-01. Review status: criteria provided, single submitter. Criteria: CeGaT Center For Human Genetics Tuebingen Variant Classification Criteria Version 2. Collection method: clinical testing. Allele origin: germline. Affected: yes. Observed: 1 variant allele.
Comment: EVI2B: BP4, BP7

NM_006495.4(EVI2B):c.582C>A (p.Thr194=)

Genes: EVI2B (ecotropic viral integration site 2B; minus strand), NF1 (neurofibromin 1; plus strand). Cytogenetic location: 17q11.2.
Variant type: single nucleotide variant.
Coding change: c.582C>A on transcript NM_006495.4 (MANE Select); coding-DNA position 582, C replaced by A.
Protein change: p.Thr194=; no amino-acid change (threonine 194 retained).
Molecular consequence: synonymous variant. On other transcripts: intron variant (2).
Genome position (GRCh38, 1-based): chr17:31,305,028, G>T on the plus strand (C>A on the coding strand, the complement: EVI2B is on the minus strand). VCF-style: chr17-31305028-G-T. GRCh37 (hg19) VCF-style: chr17-29632046-G-T.
Other names: c.4836-20792G>T (NM_001042492.3); c.4773-20792G>T (NM_000267.4).
Identifiers: ClinVar variation 4084130 (VCV004084130.8).